The following is an entry in ClinVar:

ClinVar aggregate classification (germline): Likely benign. Review status: criteria provided, multiple submitters, no conflicts (2 of 4 stars). 2 submissions from 2 submitters: Likely benign (2). Last evaluated 2023-08-15.

Conditions:
Hereditary cancer-predisposing syndrome. Also called: Tumor predisposition; Hereditary Cancer Syndrome; Hereditary neoplastic syndrome; Neoplastic Syndromes, Hereditary. Identifiers: Orphanet 140162, MedGen C0027672, MeSH D009386, MONDO:0015356.
Classic or attenuated familial adenomatous polyposis. Identifiers: MedGen CN372698, MONDO:0021057.

Allele frequency attached by ClinVar (database versions not stated): gnomAD exomes below 0.00001; ExAC 0.00001.
gnomAD v4.1: 1 of 1,613,964 alleles (0.000062%); highest among the groups gnomAD compares: South Asian, 0.0011%; no homozygotes.

Submissions (2):

All of Us Research Program, National Institutes of Health
Classification: Likely benign for Classic or attenuated familial adenomatous polyposis. Last evaluated: 2023-08-15. Review status: criteria provided, single submitter. Criteria: ACMG Guidelines, 2015. Collection method: clinical testing. Allele origin: germline. Inheritance: Autosomal dominant inheritance. Observed: 1 variant allele, 1 heterozygote.
Comment: This study involves interpretation of variants in research participants for the purpose of population health screening. Participant phenotype was not available at the time of variant classification. Additional details can be found in publication PMID: 35346344, PMCID: PMC8962531

Ambry Genetics
Classification: Likely benign for Hereditary cancer-predisposing syndrome. Last evaluated: 2023-06-24. Review status: criteria provided, single submitter. Criteria: Ambry Variant Classification Scheme 2023. Collection method: clinical testing. Allele origin: germline.

NM_000038.6(APC):c.6786T>C (p.Ser2262=)

Gene: APC (APC regulator of Wnt signaling pathway; plus strand). Cytogenetic location: 5q22.2.
Variant type: single nucleotide variant.
Coding change: c.6786T>C on transcript NM_000038.6 (MANE Select); coding-DNA position 6786, T replaced by C.
Protein change: p.Ser2262=; no amino-acid change (serine 2262 retained).
Molecular consequence: synonymous variant. On other transcripts: non-coding transcript variant (2).
Genome position (GRCh38, 1-based): chr5:112,842,380, T>C. VCF-style: chr5-112842380-T-C. GRCh37 (hg19) VCF-style: chr5-112178077-T-C.
Other names: c.6786T>C, p.Ser2262= (NM_001127510.3, NM_001354895.2, NM_001407450.1); c.6732T>C, p.Ser2244= (NM_001127511.3); c.6840T>C, p.Ser2280= (NM_001354896.2, NM_001407447.1, NM_001407448.1 and 1 more transcripts); c.6816T>C, p.Ser2272= (NM_001354897.2); c.6711T>C, p.Ser2237= (NM_001354898.2); c.6702T>C, p.Ser2234= (NM_001354899.2); c.6663T>C, p.Ser2221= (NM_001354900.2); c.6609T>C, p.Ser2203= (NM_001354901.2, NM_001407453.1); and 11 more.
Identifiers: ClinVar variation 2624847 (VCV002624847.3), dbSNP rs750157623, ClinGen allele CA046156.